The following is an entry in ClinVar:

NM_201596.3(CACNB2):c.1311C>T (p.Phe437=)

Gene: CACNB2 (calcium voltage-gated channel auxiliary subunit beta 2; plus strand). Cytogenetic location: 10p12.31.
Variant type: single nucleotide variant.
Coding change: c.1311C>T on transcript NM_201596.3 (MANE Select); coding-DNA position 1311, C replaced by T.
Protein change: p.Phe437=; no amino-acid change (phenylalanine 437 retained).
Molecular consequence: synonymous variant.
Genome position (GRCh38, 1-based): chr10:18,538,188, C>T. VCF-style: chr10-18538188-C-T. GRCh37 (hg19) VCF-style: chr10-18827117-C-T.
Other names: c.1146C>T, p.Phe382= (NM_000724.4); c.1113C>T, p.Phe371= (NM_001167945.2); c.1032C>T, p.Phe344= (NM_001330060.2); c.1167C>T, p.Phe389= (NM_201570.3); c.1227C>T, p.Phe409= (NM_201571.4); c.1155C>T, p.Phe385= (NM_201572.4); c.1149C>T, p.Phe383= (NM_201590.3); c.1197C>T, p.Phe399= (NM_201593.3); and 1 more.
Identifiers: ClinVar variation 700589 (VCV000700589.14), dbSNP rs560020203, ClinGen allele CA5430006.

ClinVar aggregate classification (germline): Likely benign. Review status: criteria provided, multiple submitters, no conflicts (2 of 4 stars). 3 submissions from 3 submitters: Likely benign (3). Last evaluated 2026-01-18.

Conditions:
CACNB2-related disorder. Also called: CACNB2-related condition.
Cardiovascular phenotype. Identifiers: MedGen CN230736.
Brugada syndrome 4 (BRGDA4). Identifiers: Orphanet 130, MedGen C2678477, MONDO:0012743, OMIM 611876.

Allele frequency attached by ClinVar (database versions not stated): gnomAD 0.00002 and 0.00003; TOPMed 0.00002; ExAC 0.00007; 1000 Genomes Project 30x 0.00016; 1000 Genomes Project 0.00020.
gnomAD v4.1: 38 of 1,613,984 alleles (0.0024%); highest among the groups gnomAD compares: South Asian, 0.014%; no homozygotes.

Submissions (3):

Labcorp Genetics (formerly Invitae), Labcorp
Classification: Likely benign for Brugada syndrome 4. Last evaluated: 2026-01-18. Review status: criteria provided, single submitter. Criteria: Invitae Variant Classification Sherloc (09022015). Collection method: clinical testing. Allele origin: germline.

PreventionGenetics, part of Exact Sciences
Classification: Likely benign for CACNB2-related condition. Last evaluated: 2025-04-16. Review status: criteria provided, single submitter. Criteria: ACMG Guidelines, 2015. Collection method: clinical testing. Allele origin: germline.
Comment: This variant is classified as likely benign based on ACMG/AMP sequence variant interpretation guidelines (Richards et al. 2015 PMID: 25741868, with internal and published modifications).

Ambry Genetics
Classification: Likely benign for Cardiovascular phenotype. Last evaluated: 2022-05-30. Review status: criteria provided, single submitter. Criteria: Ambry Variant Classification Scheme 2023. Collection method: clinical testing. Allele origin: germline.